The following is an entry in ClinVar:

ClinVar aggregate classification (germline): Uncertain significance. Review status: criteria provided, single submitter (1 of 4 stars). 2 submissions from 2 submitters: Uncertain significance (1). 1 of the submissions does not count toward it. Last evaluated 2025-03-31.

Conditions:
Epidermolysis bullosa simplex 5B, with muscular dystrophy (EBS5B). Also called: EPIDERMOLYSIS BULLOSA SIMPLEX AND LIMB-GIRDLE MUSCULAR DYSTROPHY; Epidermolysis bullosa simplex with muscular dystrophy. Identifiers: Orphanet 257, MedGen C2931072, MONDO:0009181, OMIM 226670.
Epidermolysis bullosa simplex with nail dystrophy (EBS5D). Identifiers: MedGen C4225309, MONDO:0014661, OMIM 616487.
Epidermolysis bullosa simplex, Ogna type (EBS5A). Also called: Pidermolysis bullosa simplex 5A, Ogna type; EPIDERMOLYSIS BULLOSA SIMPLEX 5A, OGNA TYPE. Identifiers: Orphanet 79401, MedGen C0432317, MONDO:0007555, OMIM 131950.
Epidermolysis bullosa simplex 5C, with pyloric atresia (EBS5C). Also called: PLEC-Related Epidermolysis Bullosa with Pyloric Atresia; Epidermolysis bullosa simplex with pyloric atresia; PLEC1-Related Epidermolysis Bullosa with Pyloric Atresia. Identifiers: Orphanet 158684, MedGen C2677349, MONDO:0012807, OMIM 612138.
Autosomal recessive limb-girdle muscular dystrophy type 2Q (LGMDR17). Also called: MUSCULAR DYSTROPHY, LIMB-GIRDLE, AUTOSOMAL RECESSIVE 17. Identifiers: Orphanet 254361, MedGen C3150989, MONDO:0013390, OMIM 613723.
Junctional epidermolysis bullosa with pyloric atresia. Also called: Junctional Epidermolysis Bullosa- Pyloric Atresia Syndrome; Epidermolysis bullosa, junctional, with pyloric atresia and aplasia cutis congenita; Epidermolysis bullosa junctionalis with pyloric atresia; EB-PA-ACC; ITGB4-Related Epidermolysis Bullosa with Pyloric Atresia; APLASIA CUTIS CONGENITA WITH GASTROINTESTINAL ATRESIA. Identifiers: Orphanet 79403, MedGen C5676875, MONDO:0009183, OMIM 226730.
PLEC-related disorder. Also called: PLEC-related disorders; PLEC-related condition.

Allele frequency attached by ClinVar (database versions not stated): gnomAD 0.00001; ExAC 0.00002; gnomAD exomes 0.00002 and 0.00004; TOPMed 0.00003.
gnomAD v4.1: 13 of 1,613,166 alleles (0.00081%); highest among the groups gnomAD compares: Admixed American, 0.02%; no homozygotes.

Submissions (2):

Labcorp Genetics (formerly Invitae), Labcorp
Classification: Uncertain significance for Autosomal recessive limb-girdle muscular dystrophy type 2Q; Epidermolysis bullosa simplex, Ogna type; Epidermolysis bullosa simplex with nail dystrophy; Epidermolysis bullosa simplex 5C, with pyloric atresia; Epidermolysis bullosa simplex 5B, with muscular dystrophy. Last evaluated: 2025-03-31. Review status: criteria provided, single submitter. Criteria: Invitae Variant Classification Sherloc (09022015). Collection method: clinical testing. Allele origin: germline.
Comment: This sequence change replaces glycine, which is neutral and non-polar, with serine, which is neutral and polar, at codon 3275 of the PLEC protein (p.Gly3275Ser). This variant is present in population databases (rs782522164, gnomAD 0.02%). This variant has not been reported in the literature in individuals affected with PLEC-related conditions. ClinVar contains an entry for this variant (Variation ID: 1383071). An algorithm developed to predict the effect of missense changes on protein structure and function (PolyPhen-2) suggests that this variant is likely to be disruptive. In summary, the available evidence is currently insufficient to determine the role of this variant in disease. Therefore, it has been classified as a Variant of Uncertain Significance.

PreventionGenetics, part of Exact Sciences
Classification: Uncertain significance for PLEC-related condition. Last evaluated: 2024-07-08. Review status: no assertion criteria provided. Collection method: clinical testing. Allele origin: germline. Not counted in ClinVar's aggregate classification.
Comment: The PLEC c.9823G>A variant is predicted to result in the amino acid substitution p.Gly3275Ser. To our knowledge, this variant has not been reported in the literature. This variant is reported in 0.023% of alleles in individuals of Latino descent in gnomAD. At this time, the clinical significance of this variant is uncertain due to the absence of conclusive functional and genetic evidence.

NM_201384.3(PLEC):c.9742G>A (p.Gly3248Ser)

Gene: PLEC (plectin; minus strand). Cytogenetic location: 8q24.3.
Variant type: single nucleotide variant.
Coding change: c.9742G>A on transcript NM_201384.3 (MANE Select); coding-DNA position 9742, G replaced by A.
Protein change: p.Gly3248Ser; replaces glycine 3248 with serine.
Molecular consequence: missense variant.
Genome position (GRCh38, 1-based): chr8:143,920,079, C>T on the plus strand (G>A on the coding strand, the complement: PLEC is on the minus strand). VCF-style: chr8-143920079-C-T. GRCh37 (hg19) VCF-style: chr8-144994247-C-T.
Other names: c.9823G>A, p.Gly3275Ser (NM_000445.5); c.9700G>A, p.Gly3234Ser (NM_201378.4); c.9676G>A, p.Gly3226Ser (NM_201379.3); c.10153G>A, p.Gly3385Ser (NM_201380.4); c.9646G>A, p.Gly3216Ser (NM_201381.3); c.9742G>A, p.Gly3248Ser (NM_201382.4); c.9754G>A, p.Gly3252Ser (NM_201383.3); short protein forms G3226S, G3252S, G3275S, G3234S, G3216S, G3248S, G3385S.
Identifiers: ClinVar variation 1383071 (VCV001383071.10), dbSNP rs782522164, ClinGen allele CA4924868.
Genomic context (GRCh38, chr8:143,920,079, plus strand): 5'-GCCGCTGCTCCGCAGTGAAGTACTCAGAGCTGATGAGCTCCCACACCGTCACCGTCCTGC[C>T]CTTGAAGCCACCCACGGGGACCTCAACCGGGGTCTTTTCAAAGGTCTCACGGGCCTGCAG-3'
Protein context (NP_958786.1, residues 3238-3258): PVEVPVGGFK[Gly3248Ser]RTVTVWELIS